The following is an entry in ClinVar:

NM_201384.3(PLEC):c.6399G>A (p.Ala2133=)

Gene: PLEC (plectin; minus strand). Cytogenetic location: 8q24.3.
Variant type: single nucleotide variant.
Coding change: c.6399G>A on transcript NM_201384.3 (MANE Select); coding-DNA position 6399, G replaced by A.
Protein change: p.Ala2133=; no amino-acid change (alanine 2133 retained).
Molecular consequence: synonymous variant.
Genome position (GRCh38, 1-based): chr8:143,923,530, C>T on the plus strand (G>A on the coding strand, the complement: PLEC is on the minus strand). VCF-style: chr8-143923530-C-T. GRCh37 (hg19) VCF-style: chr8-144997698-C-T.
Other names: c.6480G>A, p.Ala2160= (NM_000445.5); c.6357G>A, p.Ala2119= (NM_201378.4); c.6333G>A, p.Ala2111= (NM_201379.3); c.6810G>A, p.Ala2270= (NM_201380.4); c.6303G>A, p.Ala2101= (NM_201381.3); c.6399G>A, p.Ala2133= (NM_201382.4); c.6411G>A, p.Ala2137= (NM_201383.3).
Identifiers: ClinVar variation 497052 (VCV000497052.13), dbSNP rs375489890, ClinGen allele CA4926008.

ClinVar aggregate classification (germline): Conflicting classifications of pathogenicity. Review status: criteria provided, conflicting classifications (1 of 4 stars). 4 submissions from 4 submitters: Uncertain significance (1); Likely benign (2). 1 of the submissions does not count toward it. Last evaluated 2025-12-03.

Conditions:
Epidermolysis bullosa simplex 5B, with muscular dystrophy (EBS5B). Also called: EPIDERMOLYSIS BULLOSA SIMPLEX AND LIMB-GIRDLE MUSCULAR DYSTROPHY; Epidermolysis bullosa simplex with muscular dystrophy. Identifiers: Orphanet 257, MedGen C2931072, MONDO:0009181, OMIM 226670.
Autosomal recessive limb-girdle muscular dystrophy type 2Q (LGMDR17). Also called: MUSCULAR DYSTROPHY, LIMB-GIRDLE, AUTOSOMAL RECESSIVE 17. Identifiers: Orphanet 254361, MedGen C3150989, MONDO:0013390, OMIM 613723.
Epidermolysis bullosa simplex, Ogna type (EBS5A). Also called: Pidermolysis bullosa simplex 5A, Ogna type; EPIDERMOLYSIS BULLOSA SIMPLEX 5A, OGNA TYPE. Identifiers: Orphanet 79401, MedGen C0432317, MONDO:0007555, OMIM 131950.
Epidermolysis bullosa simplex with nail dystrophy (EBS5D). Identifiers: MedGen C4225309, MONDO:0014661, OMIM 616487.
Epidermolysis bullosa simplex 5C, with pyloric atresia (EBS5C). Also called: PLEC-Related Epidermolysis Bullosa with Pyloric Atresia; Epidermolysis bullosa simplex with pyloric atresia; PLEC1-Related Epidermolysis Bullosa with Pyloric Atresia. Identifiers: Orphanet 158684, MedGen C2677349, MONDO:0012807, OMIM 612138.
PLEC-related disorder. Also called: PLEC-related condition; PLEC-related disorders.

Allele frequency attached by ClinVar (database versions not stated): TOPMed 0.00013; gnomAD 0.00014 and 0.00015; ExAC 0.00016; gnomAD exomes 0.00016.

Submissions (4):

Labcorp Genetics (formerly Invitae), Labcorp
Classification: Likely benign for Autosomal recessive limb-girdle muscular dystrophy type 2Q; Epidermolysis bullosa simplex, Ogna type; Epidermolysis bullosa simplex with nail dystrophy; Epidermolysis bullosa simplex 5C, with pyloric atresia; Epidermolysis bullosa simplex 5B, with muscular dystrophy. Last evaluated: 2025-12-03. Review status: criteria provided, single submitter. Criteria: Invitae Variant Classification Sherloc (09022015). Collection method: clinical testing. Allele origin: germline.

Blueprint Genetics
Classification: Likely benign. Last evaluated: 2024-11-23. Review status: criteria provided, single submitter. Criteria: ACMG Guidelines, 2015. Collection method: clinical testing. Allele origin: germline.

Eurofins Ntd Llc (ga)
Classification: Uncertain significance. Last evaluated: 2017-01-11. Review status: criteria provided, single submitter. Criteria: EGL Classification Definitions 2015. Collection method: clinical testing. Allele origin: germline. Observed: 3 variant alleles, 3 heterozygotes.

PreventionGenetics, part of Exact Sciences
Classification: Likely benign for PLEC-related condition. Last evaluated: 2024-04-30. Review status: no assertion criteria provided. Collection method: clinical testing. Allele origin: germline. Not counted in ClinVar's aggregate classification.
Comment: This variant is classified as likely benign based on ACMG/AMP sequence variant interpretation guidelines (Richards et al. 2015 PMID: 25741868, with internal and published modifications).